The following is an entry in ClinVar:

NC_000012.12:g.121626971C>G

Genes: ORAI1 (ORAI calcium release-activated calcium modulator 1; plus strand), LOC130008987 (ATAC-STARR-seq lymphoblastoid silent region 4981; plus strand). Cytogenetic location: 12q24.31.
Variant type: single nucleotide variant.
Molecular consequence: non-coding transcript variant (on NR_186857.1).
Genome position: GRCh38 VCF-style: chr12-121626971-C-G. GRCh37 (hg19) VCF-style: chr12-122064877-C-G.
Identifiers: ClinVar variation 3751458 (VCV003751458.2).

ClinVar aggregate classification (germline): Uncertain significance (1 of 4 stars; one submission).

Conditions:
Myopathy, tubular aggregate, 2 (TAM2). Identifiers: MedGen C4014557, MONDO:0014383, OMIM 615883.
Combined immunodeficiency due to ORAI1 deficiency. Also called: IMMUNODEFICIENCY 9. Identifiers: Orphanet 169090, Orphanet 317428, MedGen C2748568, MONDO:0013007, OMIM 612782.

Submission:

Labcorp Genetics (formerly Invitae), Labcorp
Classification: Uncertain significance for Myopathy, tubular aggregate, 2; Combined immunodeficiency due to ORAI1 deficiency. Last evaluated: 2024-10-12. Review status: criteria provided, single submitter. Criteria: Invitae Variant Classification Sherloc (09022015). Collection method: clinical testing. Allele origin: germline.
Comment: This sequence change replaces serine, which is neutral and polar, with cysteine, which is neutral and slightly polar, at codon 75 of the ORAI1 protein (p.Ser75Cys). This variant is not present in population databases (gnomAD no frequency). This variant has not been reported in the literature in individuals affected with ORAI1-related conditions. Experimental studies and prediction algorithms are not available or were not evaluated, and the functional significance of this variant is currently unknown. In summary, the available evidence is currently insufficient to determine the role of this variant in disease. Therefore, it has been classified as a Variant of Uncertain Significance.